The following is an entry in ClinVar:

NM_001829.4(CLCN3):c.2014C>G (p.Gln672Glu)

Gene: CLCN3 (chloride voltage-gated channel 3; plus strand). Cytogenetic location: 4q33.
Variant type: single nucleotide variant.
Coding change: c.2014C>G on transcript NM_001829.4 (MANE Select); coding-DNA position 2014, C replaced by G.
Protein change: p.Gln672Glu; replaces glutamine 672 with glutamic acid.
Molecular consequence: missense variant.
Genome position (GRCh38, 1-based): chr4:169,707,131, C>G. VCF-style: chr4-169707131-C-G. GRCh37 (hg19) VCF-style: chr4-170628282-C-G.
Other names: c.1933C>G, p.Gln645Glu (NM_001243372.2, NM_001243374.2); c.2014C>G, p.Gln672Glu (NM_173872.4); short protein forms Q645E, Q672E.
Identifiers: ClinVar variation 3774175 (VCV003774175.1).
Genomic context (GRCh38, chr4:169,707,131, plus strand): 5'-ACCCTGGCTGCTGACGTTATGAGACCTCGAAGGAATGATCCTCCCTTAGCTGTCCTGACA[C>G]AGGACAATATGACAGTGGATGATATAGAAAACATGATTAATGAAACCAGCTACAATGGAT-3'
Protein context (NP_001820.2, residues 662-682): RNDPPLAVLT[Gln672Glu]DNMTVDDIEN

ClinVar aggregate classification (germline): Uncertain significance (1 of 4 stars; one submission).

Submission:

GeneDx
Classification: Uncertain significance. Last evaluated: 2024-09-18. Review status: criteria provided, single submitter. Criteria: GeneDx Variant Classification Process June 2021. Collection method: clinical testing. Allele origin: germline. Affected: yes.
Comment: Not observed at significant frequency in large population cohorts (gnomAD); In silico analysis indicates that this missense variant does not alter protein structure/function; Has not been previously published as pathogenic or benign to our knowledge